The following is an entry in ClinVar:

NM_004006.3(DMD):c.8140G>A (p.Val2714Ile)

Gene: DMD (dystrophin; minus strand). Cytogenetic location: Xp21.1.
Variant type: single nucleotide variant.
Coding change: c.8140G>A on transcript NM_004006.3 (MANE Select); coding-DNA position 8140, G replaced by A.
Protein change: p.Val2714Ile; replaces valine 2714 with isoleucine.
Molecular consequence: missense variant.
Genome position (GRCh38, 1-based): chrX:31,627,750, C>T on the plus strand (G>A on the coding strand, the complement: DMD is on the minus strand). VCF-style: chrX-31627750-C-T. GRCh37 (hg19) VCF-style: chrX-31645867-C-T.
Other names: c.8116G>A, p.Val2706Ile (NM_000109.4); c.8128G>A, p.Val2710Ile (NM_004009.3); c.7771G>A, p.Val2591Ile (NM_004010.3); c.4117G>A, p.Val1373Ile (NM_004011.4); c.4108G>A, p.Val1370Ile (NM_004012.4); c.760G>A, p.Val254Ile (NM_004013.3, NM_004020.4, NM_004021.3 and 2 more transcripts); short protein forms V1370I, V254I, V2710I, V1373I, V2706I, V2714I, V2591I.
Identifiers: ClinVar variation 1035053 (VCV001035053.9), dbSNP rs1231632354, ClinGen allele CA412657214.

ClinVar aggregate classification (germline): Uncertain significance (1 of 4 stars; one submission).

Conditions:
Duchenne muscular dystrophy (DMD). Also called: MUSCULAR DYSTROPHY, PSEUDOHYPERTROPHIC PROGRESSIVE, DUCHENNE TYPE; Duchenne Muscular Dystrophy (DMD). Identifiers: Orphanet 98896, MedGen C0013264, MONDO:0010679, OMIM 310200.

Allele frequency attached by ClinVar (database versions not stated): gnomAD exomes below 0.00001; TOPMed below 0.00001; gnomAD 0.00001.
gnomAD v4.1: 2 of 1,209,495 alleles (0.00017%); highest among the groups gnomAD compares: Non-Finnish European, 0.00022%; no homozygotes.

Submission:

Labcorp Genetics (formerly Invitae), Labcorp
Classification: Uncertain significance for Duchenne muscular dystrophy. Last evaluated: 2023-10-24. Review status: criteria provided, single submitter. Criteria: Invitae Variant Classification Sherloc (09022015). Collection method: clinical testing. Allele origin: germline.
Comment: This sequence change replaces valine, which is neutral and non-polar, with isoleucine, which is neutral and non-polar, at codon 2714 of the DMD protein (p.Val2714Ile). This variant is not present in population databases (gnomAD no frequency). This variant has not been reported in the literature in individuals affected with DMD-related conditions. ClinVar contains an entry for this variant (Variation ID: 1035053). Advanced modeling of protein sequence and biophysical properties (such as structural, functional, and spatial information, amino acid conservation, physicochemical variation, residue mobility, and thermodynamic stability) performed at Invitae indicates that this missense variant is not expected to disrupt DMD protein function with a negative predictive value of 95%. In summary, the available evidence is currently insufficient to determine the role of this variant in disease. Therefore, it has been classified as a Variant of Uncertain Significance.